The following is an entry in ClinVar:

ClinVar aggregate classification (germline): Benign. Review status: criteria provided, multiple submitters, no conflicts (2 of 4 stars). 8 submissions from 8 submitters: Benign (5). 3 of the submissions do not count toward it. Last evaluated 2026-02-04.

Conditions:
Acute infantile liver failure due to synthesis defect of mtDNA-encoded proteins. Also called: TRMU Deficiency; LIVER FAILURE, INFANTILE, TRANSIENT; Liver failure acute infantile. Identifiers: Orphanet 217371, MedGen C3278664, MONDO:0013111, OMIM 613070.
TRMU-related disorder. Also called: TRMU-related condition.

Allele frequency attached by ClinVar (database versions not stated): 1000 Genomes Project 30x 0.02951; TOPMed 0.02953; ESP Exome Variant Server 0.02983; gnomAD exomes 0.00349 and 0.00847; ExAC 0.01028; gnomAD 0.02652 and 0.02832; 1000 Genomes Project 0.02875.
gnomAD v4.1: 9,348 of 1,613,246 alleles (0.58%); highest among the groups gnomAD compares: African/African-American, 9.2%; 361 homozygotes.

Submissions (8):

Labcorp Genetics (formerly Invitae), Labcorp
Classification: Benign. Last evaluated: 2026-02-04. Review status: criteria provided, single submitter. Criteria: Invitae Variant Classification Sherloc (09022015). Collection method: clinical testing. Allele origin: germline.

ARUP Laboratories, Molecular Genetics and Genomics, ARUP Laboratories
Classification: Benign. Last evaluated: 2023-09-22. Review status: criteria provided, single submitter. Criteria: ARUP Molecular Germline Variant Investigation Process 2024. Collection method: clinical testing. Allele origin: germline.

Illumina Laboratory Services, Illumina
Classification: Benign for Acute infantile liver failure due to synthesis defect of mtDNA-encoded proteins. Last evaluated: 2018-01-13. Review status: criteria provided, single submitter. Criteria: ICSL Variant Classification Criteria 13 December 2019. Collection method: clinical testing. Allele origin: germline.
Comment: This variant was observed in the ICSL laboratory as part of a predisposition screen in an ostensibly healthy population. It had not been previously curated by ICSL or reported in the Human Gene Mutation Database (HGMD: prior to June 1st, 2018), and was therefore a candidate for classification through an automated scoring system. Utilizing variant allele frequency, disease prevalence and penetrance estimates, and inheritance mode, an automated score was calculated to assess if this variant is too frequent to cause the disease. Based on the score and internal cut-off values, a variant classified as benign is not then subjected to further curation. The score for this variant resulted in a classification of benign for this disease.

GeneDx
Classification: Benign. Last evaluated: 2015-03-03. Review status: criteria provided, single submitter. Criteria: GeneDx Variant Classification Process June 2021. Collection method: clinical testing. Allele origin: germline. Affected: yes.

Breakthrough Genomics
Classification: Benign. Review status: criteria provided, single submitter. Criteria: ACMG Guidelines, 2015. Collection method: not provided. Allele origin: germline. Inheritance: Unknown mechanism. Affected: yes.

Natera, Inc.
Classification: Benign for Transient infantile liver failure. Last evaluated: 2020-09-16. Review status: no assertion criteria provided. Collection method: clinical testing. Allele origin: germline. Not counted in ClinVar's aggregate classification.

PreventionGenetics, part of Exact Sciences
Classification: Benign for TRMU-related condition. Last evaluated: 2020-01-20. Review status: no assertion criteria provided. Collection method: clinical testing. Allele origin: germline. Not counted in ClinVar's aggregate classification.
Comment: This variant is classified as benign based on ACMG/AMP sequence variant interpretation guidelines (Richards et al. 2015 PMID: 25741868, with internal and published modifications).

Mayo Clinic Laboratories, Mayo Clinic
Classification: Benign. Last evaluated: 2017-09-15. Review status: no assertion criteria provided. Collection method: clinical testing. Allele origin: unknown. Not counted in ClinVar's aggregate classification.

NM_018006.5(TRMU):c.927C>T (p.Arg309=)

Gene: TRMU (tRNA mitochondrial 2-thiouridylase; plus strand). Cytogenetic location: 22q13.31.
Variant type: single nucleotide variant.
Coding change: c.927C>T on transcript NM_018006.5 (MANE Select); coding-DNA position 927, C replaced by T.
Protein change: p.Arg309=; no amino-acid change (arginine 309 retained).
Molecular consequence: synonymous variant. On other transcripts: non-coding transcript variant (2).
Genome position (GRCh38, 1-based): chr22:46,355,497, C>T. VCF-style: chr22-46355497-C-T. GRCh37 (hg19) VCF-style: chr22-46751394-C-T.
Other names: c.585C>T, p.Arg195= (NM_001282782.2); c.507C>T, p.Arg169= (NM_001282783.2, NM_001282784.2); c.927C>T, p.Arg309= (NM_001282785.2).
Identifiers: ClinVar variation 342012 (VCV000342012.32), dbSNP rs9627420, ClinGen allele CA10292318.